The following is an entry in ClinVar:

NM_139057.4(ADAMTS17):c.2041G>A (p.Gly681Arg)

Gene: ADAMTS17 (ADAM metallopeptidase with thrombospondin type 1 motif 17; minus strand). Cytogenetic location: 15q26.3.
Variant type: single nucleotide variant.
Coding change: c.2041G>A on transcript NM_139057.4 (MANE Select); coding-DNA position 2041, G replaced by A.
Protein change: p.Gly681Arg; replaces glycine 681 with arginine.
Molecular consequence: missense variant.
Genome position (GRCh38, 1-based): chr15:100,096,452, C>T on the plus strand (G>A on the coding strand, the complement: ADAMTS17 is on the minus strand). VCF-style: chr15-100096452-C-T. GRCh37 (hg19) VCF-style: chr15-100636657-C-T.
Other names: short protein forms G681R.
Identifiers: ClinVar variation 1899733 (VCV001899733.3), dbSNP rs770547005, ClinGen allele CA7757912.

ClinVar aggregate classification (germline): Uncertain significance (1 of 4 stars; one submission).

Allele frequency attached by ClinVar (database versions not stated): TOPMed below 0.00001; gnomAD 0.00001; ExAC 0.00002.
gnomAD v4.1: 10 of 1,613,978 alleles (0.00062%); highest among the groups gnomAD compares: African/African-American, 0.0027%; no homozygotes.

Submission:

Labcorp Genetics (formerly Invitae), Labcorp
Classification: Uncertain significance. Last evaluated: 2022-09-06. Review status: criteria provided, single submitter. Criteria: Invitae Variant Classification Sherloc (09022015). Collection method: clinical testing. Allele origin: germline.
Comment: In summary, the available evidence is currently insufficient to determine the role of this variant in disease. Therefore, it has been classified as a Variant of Uncertain Significance. Algorithms developed to predict the effect of missense changes on protein structure and function are either unavailable or do not agree on the potential impact of this missense change (SIFT: "Not Available"; PolyPhen-2: "Probably Damaging"; Align-GVGD: "Not Available"). This variant has not been reported in the literature in individuals affected with ADAMTS17-related conditions. This variant is present in population databases (rs770547005, gnomAD 0.01%). This sequence change replaces glycine, which is neutral and non-polar, with arginine, which is basic and polar, at codon 681 of the ADAMTS17 protein (p.Gly681Arg).